The following is an entry in ClinVar:

ClinVar aggregate classification (germline): Uncertain significance. Review status: criteria provided, multiple submitters, no conflicts (2 of 4 stars). 2 submissions from 2 submitters: Uncertain significance (2). Last evaluated 2024-07-15.

Conditions:
Ehlers-Danlos syndrome, classic type, 1 (EDSCL1). Also called: EHLERS-DANLOS SYNDROME, GRAVIS TYPE; EHLERS-DANLOS SYNDROME, SEVERE CLASSIC TYPE; Ehlers-Danlos syndrome, type 1; Ehlers-Danlos Syndrome, Classic Type, COL5A1-Related; EDS I. Identifiers: MedGen C0268335, MONDO:0019567, OMIM 130000.

Allele frequency attached by ClinVar (database versions not stated): gnomAD 0.00001; ExAC 0.00002; gnomAD exomes 0.00001.
gnomAD v4.1: 4 of 1,611,118 alleles (0.00025%); highest among the groups gnomAD compares: Non-Finnish European, 0.00034%; no homozygotes.

Submissions (2):

GeneDx
Classification: Uncertain significance. Last evaluated: 2024-07-15. Review status: criteria provided, single submitter. Criteria: GeneDx Variant Classification Process June 2021. Collection method: clinical testing. Allele origin: germline. Affected: yes.
Comment: Not observed at significant frequency in large population cohorts (gnomAD); In silico analysis indicates that this missense variant does not alter protein structure/function; Has not been previously published as pathogenic or benign to our knowledge

Labcorp Genetics (formerly Invitae), Labcorp
Classification: Uncertain significance for Ehlers-Danlos syndrome, classic type, 1. Last evaluated: 2021-08-31. Review status: criteria provided, single submitter. Criteria: Invitae Variant Classification Sherloc (09022015). Collection method: clinical testing. Allele origin: germline.
Comment: In summary, the available evidence is currently insufficient to determine the role of this variant in disease. Therefore, it has been classified as a Variant of Uncertain Significance. Advanced modeling of protein sequence and biophysical properties (such as structural, functional, and spatial information, amino acid conservation, physicochemical variation, residue mobility, and thermodynamic stability) performed at Invitae indicates that this missense variant is not expected to disrupt COL5A2 protein function. This variant has not been reported in the literature in individuals affected with COL5A2-related conditions. This variant is present in population databases (rs751499848, ExAC 0.003%). This sequence change replaces glutamic acid with glutamine at codon 934 of the COL5A2 protein (p.Glu934Gln). The glutamic acid residue is highly conserved and there is a small physicochemical difference between glutamic acid and glutamine.

NM_000393.5(COL5A2):c.2800G>C (p.Glu934Gln)

Gene: COL5A2 (collagen type V alpha 2 chain; minus strand). Cytogenetic location: 2q32.2.
Variant type: single nucleotide variant.
Coding change: c.2800G>C on transcript NM_000393.5 (MANE Select); coding-DNA position 2800, G replaced by C.
Protein change: p.Glu934Gln; replaces glutamic acid 934 with glutamine.
Molecular consequence: missense variant.
Genome position (GRCh38, 1-based): chr2:189,051,451, C>G on the plus strand (G>C on the coding strand, the complement: COL5A2 is on the minus strand). VCF-style: chr2-189051451-C-G. GRCh37 (hg19) VCF-style: chr2-189916177-C-G.
Other names: c.2800G>C (NM_000393.3); short protein forms E934Q.
Identifiers: ClinVar variation 1413912 (VCV001413912.7), dbSNP rs751499848, ClinGen allele CA2022178.